The following is an entry in ClinVar:

NM_017745.5(BCOR):c.-292-?_*863+?dup

Gene: BCOR (BCL6 corepressor; minus strand).
Variant type: Duplication.
Coding change: c.-292-?_*863+?dup on transcript NM_017745.5.
Identifiers: ClinVar variation 241185 (VCV000241185.1).

ClinVar aggregate classification (germline): Uncertain significance (1 of 4 stars; one submission).

Conditions:
Oculofaciocardiodental syndrome (MCOPS2). Identifiers: Orphanet 2712, MedGen C1846265, MONDO:0010261, OMIM 300166.

Submission:

Labcorp Genetics (formerly Invitae), Labcorp
Classification: Uncertain significance for Oculofaciocardiodental syndrome. Last evaluated: 2015-11-26. Review status: criteria provided, single submitter. Criteria: Invitae Variant Classification Sherloc (09022015). Collection method: clinical testing. Allele origin: germline.
Comment: A gross duplication of the genomic region encompassing the full coding sequence of the BCOR gene has been identified. This variant has not been reported in the literature. In summary, this is a whole gene duplication with uncertain impact on protein function. It has been classified as a Variant of Uncertain Significance.